The following is an entry in ClinVar:

NM_003560.4(PLA2G6):c.635G>A (p.Gly212Asp)

Gene: PLA2G6 (phospholipase A2 group VI; minus strand). Cytogenetic location: 22q13.1.
Variant type: single nucleotide variant.
Coding change: c.635G>A on transcript NM_003560.4 (MANE Select); coding-DNA position 635, G replaced by A.
Protein change: p.Gly212Asp; replaces glycine 212 with aspartic acid.
Molecular consequence: missense variant. On other transcripts: intron variant (1).
Genome position (GRCh38, 1-based): chr22:38,140,144, C>T on the plus strand (G>A on the coding strand, the complement: PLA2G6 is on the minus strand). VCF-style: chr22-38140144-C-T. GRCh37 (hg19) VCF-style: chr22-38536151-C-T.
Other names: c.635G>A, p.Gly212Asp (NM_001004426.3, NM_001199562.3, NM_001349864.2 and 2 more transcripts); c.101G>A, p.Gly34Asp (NM_001349867.2, NM_001349869.2); c.119+2961G>A (NM_001349868.2); short protein forms G212D, G34D.
Identifiers: ClinVar variation 1697093 (VCV001697093.2), dbSNP rs2145803961, ClinGen allele CA411531570.
Genomic context (GRCh38, chr22:38,140,144, plus strand): 5'-TTCCCCAGCTGGCAGGCCAGGTGCAGCGGGGTCAGCCCTTGGTTATTCACCTGGTTCAGG[C>T]CAGCCACTGCGTTCCTTCCAAGGAGCTGATGAAAGAGGAAGGGAAGTTTGACTCCATAGG-3'
Protein context (NP_003551.2, residues 202-222): LQLLGRNAVA[Gly212Asp]LNQVNNQGLT

ClinVar aggregate classification (germline): Uncertain significance (1 of 4 stars; one submission).

Submission:

GeneDx
Classification: Uncertain significance. Last evaluated: 2022-01-14. Review status: criteria provided, single submitter. Criteria: GeneDx Variant Classification Process June 2021. Collection method: clinical testing. Allele origin: germline. Affected: yes.
Comment: Not observed at significant frequency in large population cohorts (gnomAD); In silico analysis supports that this missense variant does not alter protein structure/function; Has not been previously published as pathogenic or benign to our knowledge